The following is an entry in ClinVar:

NM_002468.5(MYD88):c.484G>A (p.Asp162Asn)

Gene: MYD88 (MYD88 innate immune signal transduction adaptor; plus strand). Cytogenetic location: 3p22.2.
Variant type: single nucleotide variant.
Coding change: c.484G>A on transcript NM_002468.5 (MANE Select); coding-DNA position 484, G replaced by A.
Protein change: p.Asp162Asn; replaces aspartic acid 162 with asparagine.
Molecular consequence: missense variant. On other transcripts: intron variant (2).
Genome position (GRCh38, 1-based): chr3:38,140,408, G>A. VCF-style: chr3-38140408-G-A. GRCh37 (hg19) VCF-style: chr3-38181899-G-A.
Other names: c.484G>A, p.Asp162Asn (NM_001172567.2, NM_001365876.1, NM_001374787.1); c.349G>A, p.Asp117Asn (NM_001172568.2, NM_001365877.1); c.464-349G>A (NM_001172569.3); c.329-349G>A (NM_001172566.2); short protein forms D117N, D162N, D175N.
Identifiers: ClinVar variation 1716934 (VCV001716934.6), dbSNP rs770424976, ClinGen allele CA2316143.

ClinVar aggregate classification (germline): Uncertain significance (1 of 4 stars; one submission).

Conditions:
Pyogenic bacterial infections due to MyD88 deficiency (IMD68). Also called: PYOGENIC BACTERIAL INFECTIONS, RECURRENT, DUE TO MYD88 DEFICIENCY. Identifiers: Orphanet 183713, MedGen C2677092, MONDO:0012839, OMIM 612260.

Allele frequency attached by ClinVar (database versions not stated): ExAC 0.00001; gnomAD 0.00001.
gnomAD v4.1: 6 of 1,614,058 alleles (0.00037%); highest among the groups gnomAD compares: East Asian, 0.0022%; no homozygotes.

Submission:

Labcorp Genetics (formerly Invitae), Labcorp
Classification: Uncertain significance for Pyogenic bacterial infections due to MyD88 deficiency. Last evaluated: 2024-02-24. Review status: criteria provided, single submitter. Criteria: Invitae Variant Classification Sherloc (09022015). Collection method: clinical testing. Allele origin: germline.
Comment: This sequence change replaces aspartic acid, which is acidic and polar, with asparagine, which is neutral and polar, at codon 175 of the MYD88 protein (p.Asp175Asn). This variant is present in population databases (rs770424976, gnomAD 0.006%). This variant has not been reported in the literature in individuals affected with MYD88-related conditions. ClinVar contains an entry for this variant (Variation ID: 1716934). An algorithm developed to predict the effect of missense changes on protein structure and function (PolyPhen-2) suggests that this variant is likely to be disruptive. In summary, the available evidence is currently insufficient to determine the role of this variant in disease. Therefore, it has been classified as a Variant of Uncertain Significance.